The following is an entry in ClinVar:

ClinVar aggregate classification (germline): Conflicting classifications of pathogenicity. Review status: criteria provided, conflicting classifications (1 of 4 stars). 4 submissions from 4 submitters: Uncertain significance (3); Likely benign (1). Last evaluated 2025-06-29.

Conditions:
Developmental and epileptic encephalopathy, 5 (DEE5). Identifiers: Orphanet 3451, MedGen C3150731, MONDO:0013277, OMIM 613477.
Early-infantile DEE. Also called: Early infantile epileptic encephalopathy; Early infantile epileptic encephalopathy with suppression bursts; Ohtahara syndrome. Identifiers: Orphanet 1934, MedGen C0393706, MONDO:0800491.
Inborn genetic diseases. Identifiers: MedGen C0950123, MeSH D030342.

Allele frequency attached by ClinVar (database versions not stated): ExAC 0.00001; gnomAD exomes 0.00001; gnomAD 0.00002 and 0.00003; TOPMed 0.00003.
gnomAD v4.1: 95 of 1,614,042 alleles (0.0059%); highest among the groups gnomAD compares: Non-Finnish European, 0.0078%; no homozygotes.

Submissions (4):

Labcorp Genetics (formerly Invitae), Labcorp
Classification: Uncertain significance for Early-infantile DEE. Last evaluated: 2025-06-29. Review status: criteria provided, single submitter. Criteria: Invitae Variant Classification Sherloc (09022015). Collection method: clinical testing. Allele origin: germline.
Comment: This sequence change replaces lysine, which is basic and polar, with arginine, which is basic and polar, at codon 1664 of the SPTAN1 protein (p.Lys1664Arg). This variant is present in population databases (rs757109566, gnomAD 0.007%). This variant has not been reported in the literature in individuals affected with SPTAN1-related conditions. ClinVar contains an entry for this variant (Variation ID: 511730). Invitae Evidence Modeling of protein sequence and biophysical properties (such as structural, functional, and spatial information, amino acid conservation, physicochemical variation, residue mobility, and thermodynamic stability) has been performed for this missense variant. However, the output from this modeling did not meet the statistical confidence thresholds required to predict the impact of this variant on SPTAN1 protein function. In summary, the available evidence is currently insufficient to determine the role of this variant in disease. Therefore, it has been classified as a Variant of Uncertain Significance.

Ambry Genetics
Classification: Uncertain significance for Inborn genetic diseases. Last evaluated: 2024-01-03. Review status: criteria provided, single submitter. Criteria: Ambry Variant Classification Scheme 2023. Collection method: clinical testing. Allele origin: germline.

Genome-Nilou Lab
Classification: Uncertain significance for Developmental and epileptic encephalopathy, 5. Last evaluated: 2021-07-15. Review status: criteria provided, single submitter. Criteria: ACMG Guidelines, 2015. Collection method: clinical testing. Allele origin: germline. Affected: no.

GeneDx
Classification: Likely benign. Last evaluated: 2019-01-28. Review status: criteria provided, single submitter. Criteria: GeneDx Variant Classification Process June 2021. Collection method: clinical testing. Allele origin: germline. Affected: yes.

NM_001130438.3(SPTAN1):c.4991A>G (p.Lys1664Arg)

Gene: SPTAN1 (spectrin alpha, non-erythrocytic 1; plus strand). Cytogenetic location: 9q34.11.
Variant type: single nucleotide variant.
Coding change: c.4991A>G on transcript NM_001130438.3 (MANE Select); coding-DNA position 4991, A replaced by G.
Protein change: p.Lys1664Arg; replaces lysine 1664 with arginine.
Molecular consequence: missense variant.
Genome position (GRCh38, 1-based): chr9:128,612,194, A>G. VCF-style: chr9-128612194-A-G. GRCh37 (hg19) VCF-style: chr9-131374473-A-G.
Other names: c.4916A>G, p.Lys1639Arg (NM_001195532.2); c.4991A>G, p.Lys1664Arg (NM_001363759.2); c.4931A>G, p.Lys1644Arg (NM_001363765.2); c.4976A>G, p.Lys1659Arg (NM_003127.4); short protein forms K1664R, K1659R, K1639R, K1644R.
Identifiers: ClinVar variation 511730 (VCV000511730.15), dbSNP rs757109566, ClinGen allele CA5265353.